The following is an entry in ClinVar:

NM_001205293.3(CACNA1E):c.1988T>C (p.Met663Thr)

Gene: CACNA1E (calcium voltage-gated channel subunit alpha1 E; plus strand). Cytogenetic location: 1q25.3.
Variant type: single nucleotide variant.
Coding change: c.1988T>C on transcript NM_001205293.3 (MANE Select); coding-DNA position 1988, T replaced by C.
Protein change: p.Met663Thr; replaces methionine 663 with threonine.
Molecular consequence: missense variant.
Genome position (GRCh38, 1-based): chr1:181,721,789, T>C. VCF-style: chr1-181721789-T-C. GRCh37 (hg19) VCF-style: chr1-181690925-T-C.
Other names: c.1988T>C, p.Met663Thr (NM_000721.4, NM_001205294.2); short protein forms M663T.
Identifiers: ClinVar variation 5009572 (VCV005009572.1).

ClinVar aggregate classification (germline): Uncertain significance (1 of 4 stars; one submission).

gnomAD v4.1: 1 of 1,613,184 alleles (0.000062%); highest among the groups gnomAD compares: Non-Finnish European, 0.000085%; no homozygotes.

Submission:

GeneDx
Classification: Uncertain significance. Last evaluated: 2026-03-21. Review status: criteria provided, single submitter. Criteria: GeneDx Variant Classification Process June 2021. Collection method: clinical testing. Allele origin: germline.
Comment: Not observed at significant frequency in large population cohorts (gnomAD); In silico analysis supports that this missense variant has a deleterious effect on protein structure/function; Has not been previously published as pathogenic or benign to our knowledge